The following is an entry in ClinVar:

ClinVar aggregate classification (germline): Uncertain significance (1 of 4 stars; one submission).

Conditions:
Primary dilated cardiomyopathy (DCM). Also called: Dilated Cardiomyopathy. Identifiers: Orphanet 217604, MedGen C0007193, MeSH D002311, MONDO:0005021, HP:0001644. Inheritance: Various modes of inheritance.

Allele frequency attached by ClinVar (database versions not stated): gnomAD exomes below 0.00001; ExAC 0.00001.

Submission:

Loeys Lab, Universiteit Antwerpen
Classification: Uncertain significance for Primary dilated cardiomyopathy. Last evaluated: 2021-02-26. Review status: criteria provided, single submitter. Criteria: ACMG Guidelines, 2015. Collection method: clinical testing. Allele origin: somatic. Affected: yes. Observed: 2 variant alleles, 2 heterozygotes.
Comment: This sequence change results in a missense variant in the MYH7 gene (p.(His666Arg)), which is a known mechanism (PP2; based on constraint matrix GnomAD). This variant is present in population databases with a prevalence of 1/246272 in GnomAD). The variant affects a highly conserved nucleotide and amino acid, located in the motor domain of the myosin head. This variant has not been reported in the literature and no functional data are available. Prediction programs show conflicting results ( Align GVGD C0, not pathogenic; Polyphen-2-HumDiv: probably damaging; Polyphen-2-HumVar: probably damaging; SIFT: tolerated; Mutation Taster: disease causing). In conclusion this variant was classified as a variant of unknown significance according to ACMG-guidelines (insufficient data, criteria for other classification are not met: PP2).

NM_000257.4(MYH7):c.1997A>G (p.His666Arg)

Gene: MYH7 (myosin heavy chain 7; minus strand). Cytogenetic location: 14q11.2.
Variant type: single nucleotide variant.
Coding change: c.1997A>G on transcript NM_000257.4 (MANE Select); coding-DNA position 1997, A replaced by G.
Protein change: p.His666Arg; replaces histidine 666 with arginine.
Molecular consequence: missense variant.
Genome position (GRCh38, 1-based): chr14:23,426,824, T>C on the plus strand (A>G on the coding strand, the complement: MYH7 is on the minus strand). VCF-style: chr14-23426824-T-C. GRCh37 (hg19) VCF-style: chr14-23896033-T-C.
Other names: short protein forms H666R.
Identifiers: ClinVar variation 1065184 (VCV001065184.2), dbSNP rs769919688, ClinGen allele CA030637.